The following is an entry in ClinVar:

NM_001007553.3(CSDE1):c.1004A>G (p.Glu335Gly)

Gene: CSDE1 (cold shock domain containing E1; minus strand). Cytogenetic location: 1p13.2.
Variant type: single nucleotide variant.
Coding change: c.1004A>G on transcript NM_001007553.3 (MANE Select); coding-DNA position 1004, A replaced by G.
Protein change: p.Glu335Gly; replaces glutamic acid 335 with glycine.
Molecular consequence: missense variant.
Genome position (GRCh38, 1-based): chr1:114,732,650, T>C on the plus strand (A>G on the coding strand, the complement: CSDE1 is on the minus strand). VCF-style: chr1-114732650-T-C. GRCh37 (hg19) VCF-style: chr1-115275271-T-C.
Other names: c.1049A>G, p.Glu350Gly (NM_001130523.3); c.1142A>G, p.Glu381Gly (NM_001242891.2); c.1004A>G, p.Glu335Gly (NM_001242892.2); c.911A>G, p.Glu304Gly (NM_001242893.2, NM_007158.6); short protein forms E304G, E350G, E335G, E381G.
Identifiers: ClinVar variation 4007295 (VCV004007295.3).

ClinVar aggregate classification (germline): Uncertain significance. Review status: criteria provided, multiple submitters, no conflicts (2 of 4 stars). 2 submissions from 2 submitters: Uncertain significance (2). Last evaluated 2025-11-04.

Conditions:
Inborn genetic diseases. Identifiers: MedGen C0950123, MeSH D030342.

gnomAD v4.1: 3 of 1,614,222 alleles (0.00019%); highest among the groups gnomAD compares: Admixed American, 0.005%; no homozygotes.

Submissions (2):

Dasa
Classification: Uncertain significance. Last evaluated: 2025-11-04. Review status: criteria provided, single submitter. Criteria: DASA Assertion Criteria. Collection method: clinical testing. Allele origin: germline.
Comment: NM_001007553.3(CSDE1):c.1004A>G (p.Glu335Gly) is a missense variant that results in the substitution of glutamic acid with glycine. This variant is rare in population databases. The currently available literature and clinical evidence are not sufficient to establish a definitive association between this variant and the reported condition. Therefore, this variant is classified as a variant of uncertain significance.

Ambry Genetics
Classification: Uncertain significance for Inborn genetic diseases. Last evaluated: 2025-05-14. Review status: criteria provided, single submitter. Criteria: Ambry Variant Classification Scheme 2023. Collection method: clinical testing. Allele origin: germline.